The following is an entry in ClinVar:

ClinVar aggregate classification (germline): Uncertain significance. Review status: criteria provided, multiple submitters, no conflicts (2 of 4 stars). 3 submissions from 3 submitters: Uncertain significance (3). Last evaluated 2024-06-09.

Conditions:
PMM2-congenital disorder of glycosylation. Also called: CDG Ia; Congenital disorder of glycosylation, type Ia; JAEKEN SYNDROME; PHOSPHOMANNOMUTASE 2 DEFICIENCY; CARBOHYDRATE-DEFICIENT GLYCOPROTEIN SYNDROME, TYPE Ia; PMM2-CDG. Identifiers: Orphanet 79318, MedGen C0349653, MONDO:0008907, OMIM 212065.

Allele frequency attached by ClinVar (database versions not stated): gnomAD exomes 0.00005; TOPMed 0.00006; gnomAD 0.00007; ExAC 0.00010.
gnomAD v4.1: 88 of 1,610,418 alleles (0.0055%); highest among the groups gnomAD compares: African/African-American, 0.0013%; no homozygotes.

Submissions (3):

Fulgent Genetics
Classification: Uncertain significance for PMM2-congenital disorder of glycosylation. Last evaluated: 2024-06-09. Review status: criteria provided, single submitter. Criteria: ACMG Guidelines, 2015. Collection method: clinical testing. Allele origin: germline.

Labcorp Genetics (formerly Invitae), Labcorp
Classification: Uncertain significance for PMM2-congenital disorder of glycosylation. Last evaluated: 2022-07-30. Review status: criteria provided, single submitter. Criteria: Invitae Variant Classification Sherloc (09022015). Collection method: clinical testing. Allele origin: germline.
Comment: This sequence change replaces glycine, which is neutral and non-polar, with arginine, which is basic and polar, at codon 79 of the PMM2 protein (p.Gly79Arg). This variant is present in population databases (rs201979729, gnomAD 0.2%). This variant has not been reported in the literature in individuals affected with PMM2-related conditions. Algorithms developed to predict the effect of missense changes on protein structure and function are either unavailable or do not agree on the potential impact of this missense change (SIFT: "Deleterious"; PolyPhen-2: "Probably Damaging"; Align-GVGD: "Class C15"). In summary, the available evidence is currently insufficient to determine the role of this variant in disease. Therefore, it has been classified as a Variant of Uncertain Significance.

GeneDx
Classification: Uncertain significance. Last evaluated: 2022-05-16. Review status: criteria provided, single submitter. Criteria: GeneDx Variant Classification Process June 2021. Collection method: clinical testing. Allele origin: germline. Affected: yes.
Comment: In silico analysis supports that this missense variant has a deleterious effect on protein structure/function; Has not been previously published as pathogenic or benign to our knowledge

NM_000303.3(PMM2):c.235G>C (p.Gly79Arg)

Gene: PMM2 (phosphomannomutase 2; plus strand). Cytogenetic location: 16p13.2.
Variant type: single nucleotide variant.
Coding change: c.235G>C on transcript NM_000303.3 (MANE Select); coding-DNA position 235, G replaced by C.
Protein change: p.Gly79Arg; replaces glycine 79 with arginine.
Molecular consequence: missense variant.
Genome position (GRCh38, 1-based): chr16:8,804,823, G>C. VCF-style: chr16-8804823-G-C. GRCh37 (hg19) VCF-style: chr16-8898680-G-C.
Other names: short protein forms G79R.
Identifiers: ClinVar variation 1800690 (VCV001800690.4), dbSNP rs201979729, ClinGen allele CA7893963.